The following is an entry in ClinVar:

NM_001194998.2(CEP152):c.1783-1G>C

Gene: CEP152 (centrosomal protein 152; minus strand). Cytogenetic location: 15q21.1.
Variant type: single nucleotide variant.
Coding change: c.1783-1G>C on transcript NM_001194998.2 (MANE Select); the canonical splice acceptor site of the intron before coding-DNA position 1783, G replaced by C.
Molecular consequence: splice acceptor variant.
Genome position (GRCh38, 1-based): chr15:48,769,082, C>G on the plus strand (G>C on the coding strand, the complement: CEP152 is on the minus strand). VCF-style: chr15-48769082-C-G. GRCh37 (hg19) VCF-style: chr15-49061279-C-G.
Other names: c.1783-1G>C (NM_014985.4).
Identifiers: ClinVar variation 2577110 (VCV002577110.1), dbSNP rs1895345135, ClinGen allele CA392351028.

ClinVar aggregate classification (germline): Likely pathogenic (1 of 4 stars; one submission).

Conditions:
CEP152-related disorder. Also called: CEP152-related condition; CEP152-related disorders. Identifiers: MedGen CN239248.

Allele frequency attached by ClinVar (database versions not stated): gnomAD exomes below 0.00001.
gnomAD v4.1: 2 of 1,603,952 alleles (0.00012%); highest among the groups gnomAD compares: Non-Finnish European, 0.000085%; no homozygotes.

Submission:

Women's Health and Genetics/Laboratory Corporation of America, LabCorp
Classification: Likely pathogenic for CEP152-related disorder. Last evaluated: 2023-07-12. Review status: criteria provided, single submitter. Criteria: LabCorp Variant Classification Summary - May 2015. Collection method: clinical testing. Allele origin: germline.
Comment: Variant summary: CEP152 c.1783-1G>C is located in a canonical splice-site and is predicted to affect mRNA splicing resulting in a significantly altered protein due to either exon skipping, shortening, or inclusion of intronic material. Several computational tools predict a significant impact on normal splicing: Three predict the variant abolishes the canonical 3' acceptor site and one also predicts the variant creates a new 3' acceptor site. However, these predictions have yet to be confirmed by functional studies. The variant was absent in 245214 control chromosomes (gnomAD). To our knowledge, no occurrence of c.1783-1G>C in individuals affected with CEP152-Related Disorders and no experimental evidence demonstrating its impact on protein function have been reported. No submitters have cited clinical-significance assessments for this variant to ClinVar after 2014. Based on the evidence outlined above, the variant was classified as likely pathogenic.